The following is an entry in ClinVar:

NM_024685.4(BBS10):c.1126C>T (p.Leu376Phe)

Gene: BBS10 (Bardet-Biedl syndrome 10; minus strand). Cytogenetic location: 12q21.2.
Variant type: single nucleotide variant.
Coding change: c.1126C>T on transcript NM_024685.4 (MANE Select); coding-DNA position 1126, C replaced by T.
Protein change: p.Leu376Phe; replaces leucine 376 with phenylalanine.
Molecular consequence: missense variant.
Genome position (GRCh38, 1-based): chr12:76,346,859, G>A on the plus strand (C>T on the coding strand, the complement: BBS10 is on the minus strand). VCF-style: chr12-76346859-G-A. GRCh37 (hg19) VCF-style: chr12-76740639-G-A.
Other names: short protein forms L376F.
Identifiers: ClinVar variation 3355033 (VCV003355033.1).

ClinVar aggregate classification (germline): Uncertain significance (0 of 4 stars; one submission).

Conditions:
BBS10-related disorder. Also called: BBS10-related condition.

Submission:

PreventionGenetics, part of Exact Sciences
Classification: Uncertain significance for BBS10-related condition. Last evaluated: 2023-12-15. Review status: no assertion criteria provided. Collection method: clinical testing. Allele origin: germline.
Comment: The BBS10 c.1126C>T variant is predicted to result in the amino acid substitution p.Leu376Phe. To our knowledge, this variant has not been reported in the literature or in a large population database, indicating this variant is rare. At this time, the clinical significance of this variant is uncertain due to the absence of conclusive functional and genetic evidence.